The following is an entry in ClinVar:

ClinVar aggregate classification (germline): Conflicting classifications of pathogenicity. Review status: criteria provided, conflicting classifications (1 of 4 stars). 2 submissions from 2 submitters: Uncertain significance (1); Likely benign (1). Last evaluated 2024-12-03.

Conditions:
RAI1-related disorder. Also called: RAI1-related condition.

gnomAD v4.1: 33 of 1,613,710 alleles (0.002%); highest among the groups gnomAD compares: Non-Finnish European, 0.0026%; no homozygotes.

Submissions (2):

PreventionGenetics, part of Exact Sciences
Classification: Uncertain significance for RAI1-related condition. Last evaluated: 2024-12-03. Review status: criteria provided, single submitter. Criteria: ACMG Guidelines, 2015. Collection method: clinical testing. Allele origin: germline.
Comment: The RAI1 c.5171G>A variant is predicted to result in the amino acid substitution p.Arg1724Gln. To our knowledge, this variant has not been reported in the literature. This variant is reported in 0.0035% of alleles in individuals of European (Non-Finnish) descent in gnomAD. At this time, the clinical significance of this variant is uncertain due to the absence of conclusive functional and genetic evidence.

Labcorp Genetics (formerly Invitae), Labcorp
Classification: Likely benign. Last evaluated: 2024-08-05. Review status: criteria provided, single submitter. Criteria: Invitae Variant Classification Sherloc (09022015). Collection method: clinical testing. Allele origin: germline.

NM_030665.4(RAI1):c.5171G>A (p.Arg1724Gln)

Gene: RAI1 (retinoic acid induced 1; plus strand). Cytogenetic location: 17p11.2.
Variant type: single nucleotide variant.
Coding change: c.5171G>A on transcript NM_030665.4 (MANE Select); coding-DNA position 5171, G replaced by A.
Protein change: p.Arg1724Gln; replaces arginine 1724 with glutamine.
Molecular consequence: missense variant.
Genome position (GRCh38, 1-based): chr17:17,798,119, G>A. VCF-style: chr17-17798119-G-A. GRCh37 (hg19) VCF-style: chr17-17701433-G-A.
Other names: short protein forms R1724Q.
Identifiers: ClinVar variation 3349696 (VCV003349696.4).